The following is an entry in ClinVar:

NM_001042492.3(NF1):c.830G>A (p.Cys277Tyr)

Gene: NF1 (neurofibromin 1; plus strand). Cytogenetic location: 17q11.2.
Variant type: single nucleotide variant.
Coding change: c.830G>A on transcript NM_001042492.3 (MANE Select); coding-DNA position 830, G replaced by A.
Protein change: p.Cys277Tyr; replaces cysteine 277 with tyrosine.
Molecular consequence: missense variant.
Genome position (GRCh38, 1-based): chr17:31,182,607, G>A. VCF-style: chr17-31182607-G-A. GRCh37 (hg19) VCF-style: chr17-29509625-G-A.
Other names: c.830G>A, p.Cys277Tyr (NM_000267.4, NM_001128147.3); short protein forms C277Y.
Identifiers: ClinVar variation 952879 (VCV000952879.6), dbSNP rs2066158274, ClinGen allele CA398991029.

ClinVar aggregate classification (germline): Uncertain significance (1 of 4 stars; one submission).

Conditions:
Neurofibromatosis, type 1 (NF1). Also called: VON RECKLINGHAUSEN DISEASE; NEUROFIBROMATOSIS, TYPE I, SOMATIC; Peripheral type neurofibromatosis; Neurofibromatosis, type I. Identifiers: Orphanet 636, MedGen C0027831, MONDO:0018975, OMIM 162200. Disease mechanism: loss of function.

Submission:

Labcorp Genetics (formerly Invitae), Labcorp
Classification: Uncertain significance for Neurofibromatosis, type 1. Last evaluated: 2025-10-29. Review status: criteria provided, single submitter. Criteria: Invitae Variant Classification Sherloc (09022015). Collection method: clinical testing. Allele origin: germline.
Comment: This sequence change replaces cysteine, which is neutral and slightly polar, with tyrosine, which is neutral and polar, at codon 277 of the NF1 protein (p.Cys277Tyr). This variant is not present in population databases (gnomAD no frequency). This variant has not been reported in the literature in individuals affected with NF1-related conditions. ClinVar contains an entry for this variant (Variation ID: 952879). Invitae Evidence Modeling of protein sequence and biophysical properties (such as structural, functional, and spatial information, amino acid conservation, physicochemical variation, residue mobility, and thermodynamic stability) indicates that this missense variant is expected to disrupt NF1 protein function with a positive predictive value of 95%. In summary, the available evidence is currently insufficient to determine the role of this variant in disease. Therefore, it has been classified as a Variant of Uncertain Significance.